The following is an entry in ClinVar:

NM_005912.3(MC4R):c.716C>A (p.Ala239Asp)

Gene: MC4R (melanocortin 4 receptor; minus strand). Cytogenetic location: 18q21.32.
Variant type: single nucleotide variant.
Coding change: c.716C>A on transcript NM_005912.3 (MANE Select); coding-DNA position 716, C replaced by A.
Protein change: p.Ala239Asp; replaces alanine 239 with aspartic acid.
Molecular consequence: missense variant.
Genome position (GRCh38, 1-based): chr18:60,371,634, G>T on the plus strand (C>A on the coding strand, the complement: MC4R is on the minus strand). VCF-style: chr18-60371634-G-T. GRCh37 (hg19) VCF-style: chr18-58038867-G-T.
Other names: short protein forms A239D.
Identifiers: ClinVar variation 4978998 (VCV004978998.1).

ClinVar aggregate classification (germline): Uncertain significance (1 of 4 stars; one submission).

Conditions:
MC4R-related disorder. Also called: MC4R-related condition.

Submission:

PreventionGenetics, part of Exact Sciences
Classification: Uncertain significance for MC4R-related condition. Last evaluated: 2026-09-22. Review status: criteria provided, single submitter. Criteria: ACMG Guidelines, 2015. Collection method: clinical testing. Allele origin: germline.
Comment: The MC4R c.716C>A variant is predicted to result in the amino acid substitution p.Ala239Asp. To our knowledge, this variant has not been reported in the literature. This variant is reported in 0.0058% of alleles in individuals of Latino descent in gnomAD. At this time, the clinical significance of this variant is uncertain due to the absence of conclusive functional and genetic evidence.